The following is an entry in ClinVar:

ClinVar aggregate classification (germline): Uncertain significance. Review status: criteria provided, multiple submitters, no conflicts (2 of 4 stars). 2 submissions from 2 submitters: Uncertain significance (2). Last evaluated 2023-11-29.

Conditions:
Cutis laxa, autosomal recessive, type 1B (ARCL1B). Also called: CUTIS LAXA, AUTOSOMAL RECESSIVE, TYPE IB; EFEMP2-Related Cutis Laxa. Identifiers: Orphanet 90349, MedGen C3280798, MONDO:0013754, OMIM 614437. Disease mechanism: loss of function.

Allele frequency attached by ClinVar (database versions not stated): gnomAD exomes below 0.00001 and 0.00002; ExAC 0.00001; gnomAD 0.00001; TOPMed 0.00001; ESP Exome Variant Server 0.00008.
gnomAD v4.1: 28 of 1,613,952 alleles (0.0017%); highest among the groups gnomAD compares: Non-Finnish European, 0.0024%; no homozygotes.

Submissions (2):

Mayo Clinic Laboratories, Mayo Clinic
Classification: Uncertain significance. Last evaluated: 2023-11-29. Review status: criteria provided, single submitter. Criteria: ACMG Guidelines, 2015. Collection method: clinical testing. Allele origin: germline. Observed: 1 variant allele.
Comment: PP3, PM2

ARUP Laboratories, Molecular Genetics and Genomics, ARUP Laboratories
Classification: Uncertain significance for Cutis laxa, autosomal recessive, type 1B. Last evaluated: 2023-11-09. Review status: criteria provided, single submitter. Criteria: ARUP Molecular Germline Variant Investigation Process 2024. Collection method: clinical testing. Allele origin: germline.

Literature cited by the submitters: PubMed 35903967 (cited by Mayo Clinic Laboratories, Mayo Clinic).

NM_016938.5(EFEMP2):c.460G>A (p.Gly154Ser)

Gene: EFEMP2 (EGF-like fibulin extracellular matrix protein 2; minus strand). Cytogenetic location: 11q13.1.
Variant type: single nucleotide variant.
Coding change: c.460G>A on transcript NM_016938.5 (MANE Select); coding-DNA position 460, G replaced by A.
Protein change: p.Gly154Ser; replaces glycine 154 with serine.
Molecular consequence: missense variant. On other transcripts: non-coding transcript variant (1).
Genome position (GRCh38, 1-based): chr11:65,870,566, C>T on the plus strand (G>A on the coding strand, the complement: EFEMP2 is on the minus strand). VCF-style: chr11-65870566-C-T. GRCh37 (hg19) VCF-style: chr11-65638037-C-T.
Other names: short protein forms G154S.
Identifiers: ClinVar variation 618078 (VCV000618078.11), dbSNP rs377199919, ClinGen allele CA6110666.